The following is an entry in ClinVar:

NM_001868.4(CPA1):c.383T>G (p.Ile128Ser)

Gene: CPA1 (carboxypeptidase A1; plus strand). Cytogenetic location: 7q32.2.
Variant type: single nucleotide variant.
Coding change: c.383T>G on transcript NM_001868.4 (MANE Select); coding-DNA position 383, T replaced by G.
Protein change: p.Ile128Ser; replaces isoleucine 128 with serine.
Molecular consequence: missense variant.
Genome position (GRCh38, 1-based): chr7:130,382,109, T>G. VCF-style: chr7-130382109-T-G. GRCh37 (hg19) VCF-style: chr7-130021950-T-G.
Other names: short protein forms I128S.
Identifiers: ClinVar variation 3835738 (VCV003835738.1).
Genomic context (GRCh38, chr7:130,382,109, plus strand): 5'-GGAAGCATCTGGGTGCCCAGAAGCTATTAAGGCCAGTGGTCTCTTCTTTCACACCTCAGA[T>G]CTATGACTTCCTGGACCTGCTGGTGGCGGAGAACCCGCACCTTGTCAGCAAGATCCAGAT-3'
Protein context (NP_001859.1, residues 118-138): NYATYHTLEE[Ile128Ser]YDFLDLLVAE

ClinVar aggregate classification (germline): Uncertain significance (1 of 4 stars; one submission).

Conditions:
Hereditary pancreatitis (PCTT). Also called: PRSS1-Related Hereditary Pancreatitis; Hereditary chronic pancreatitis. Identifiers: Orphanet 676, MedGen C0238339, MONDO:0008185, OMIM 167800.

Submission:

Ambry Genetics
Classification: Uncertain significance for Hereditary pancreatitis. Last evaluated: 2025-02-03. Review status: criteria provided, single submitter. Criteria: Ambry Variant Classification Scheme 2023. Collection method: clinical testing. Allele origin: germline.
Comment: The p.I128S variant (also known as c.383T>G), located in coding exon 4 of the CPA1 gene, results from a T to G substitution at nucleotide position 383. The isoleucine at codon 128 is replaced by serine, an amino acid with dissimilar properties. This amino acid position is conserved. In addition, the in silico prediction for this alteration is inconclusive. Based on the available evidence, the clinical significance of this variant remains unclear.